The following is an entry in ClinVar:

NM_003024.3(ITSN1):c.3569C>T (p.Pro1190Leu)

Gene: ITSN1 (intersectin 1; plus strand). Cytogenetic location: 21q22.11.
Variant type: single nucleotide variant.
Coding change: c.3569C>T on transcript NM_003024.3 (MANE Select); coding-DNA position 3569, C replaced by T.
Protein change: p.Pro1190Leu; replaces proline 1190 with leucine.
Molecular consequence: missense variant.
Genome position (GRCh38, 1-based): chr21:33,836,540, C>T. VCF-style: chr21-33836540-C-T. GRCh37 (hg19) VCF-style: chr21-35208844-C-T.
Other names: c.3569C>T, p.Pro1190Leu (NM_001001132.2); c.3356C>T, p.Pro1119Leu (NM_001331008.2); c.3554C>T, p.Pro1185Leu (NM_001331009.2, NM_001331010.2); c.3341C>T, p.Pro1114Leu (NM_001331011.2); c.3443C>T, p.Pro1148Leu (NM_001331012.2); short protein forms P1114L, P1119L, P1148L, P1185L, P1190L.
Identifiers: ClinVar variation 3365859 (VCV003365859.1).

ClinVar aggregate classification (germline): Uncertain significance (1 of 4 stars; one submission).

gnomAD v4.1: 18 of 1,613,850 alleles (0.0011%); highest among the groups gnomAD compares: Non-Finnish European, 0.0015%; no homozygotes.

Submission:

GeneDx
Classification: Uncertain significance. Last evaluated: 2023-12-27. Review status: criteria provided, single submitter. Criteria: GeneDx Variant Classification Process June 2021. Collection method: clinical testing. Allele origin: germline. Affected: yes.
Comment: Not observed at significant frequency in large population cohorts (gnomAD); In silico analysis supports that this missense variant has a deleterious effect on protein structure/function; Has not been previously published as pathogenic or benign to our knowledge